The following is an entry in ClinVar:

NM_001184.4(ATR):c.7288C>A (p.Pro2430Thr)

Gene: ATR (ATR checkpoint kinase; minus strand). Cytogenetic location: 3q23.
Variant type: single nucleotide variant.
Coding change: c.7288C>A on transcript NM_001184.4 (MANE Select); coding-DNA position 7288, C replaced by A.
Protein change: p.Pro2430Thr; replaces proline 2430 with threonine.
Molecular consequence: missense variant.
Genome position (GRCh38, 1-based): chr3:142,459,288, G>T on the plus strand (C>A on the coding strand, the complement: ATR is on the minus strand). VCF-style: chr3-142459288-G-T. GRCh37 (hg19) VCF-style: chr3-142178130-G-T.
Other names: c.7096C>A, p.Pro2366Thr (NM_001354579.2); short protein forms P2366T, P2430T.
Identifiers: ClinVar variation 3221287 (VCV003221287.1), dbSNP rs2070974029, ClinGen allele CA354797430.

ClinVar aggregate classification (germline): Uncertain significance (1 of 4 stars; one submission).

Conditions:
Inborn genetic diseases. Identifiers: MedGen C0950123, MeSH D030342.

Submission:

Ambry Genetics
Classification: Uncertain significance for Inborn genetic diseases. Last evaluated: 2024-01-05. Review status: criteria provided, single submitter. Criteria: Ambry Variant Classification Scheme 2023. Collection method: clinical testing. Allele origin: germline.
Comment: The p.P2430T variant (also known as c.7288C>A), located in coding exon 43 of the ATR gene, results from a C to A substitution at nucleotide position 7288. The proline at codon 2430 is replaced by threonine, an amino acid with highly similar properties. This amino acid position is conserved. In addition, the in silico prediction for this alteration is inconclusive. Since supporting evidence is limited at this time, the clinical significance of this alteration remains unclear.